The following is an entry in ClinVar:

ClinVar aggregate classification (germline): Uncertain significance (1 of 4 stars; one submission).

Conditions:
Atypical hemolytic-uremic syndrome. Identifiers: Orphanet 2134, MedGen C2931788, MONDO:0016244.

Submission:

Genomenon, Inc
Classification: Uncertain significance for Atypical hemolytic-uremic syndrome. Last evaluated: 2025-10-02. Review status: criteria provided, single submitter. Criteria: Genomenon Sequence Variant Interpretation Standards. Collection method: curation. Allele origin: germline. Affected: yes.
Comment: CD46 p.Lys172Asn (c.516A>C) is a missense variant that changes the amino acid at residue 172 from Lysine to Asparagine. This variant has been observed in at least one proband affected with atypical hemolytic-uremic syndrome (PMID:30890598). It is absent or not present at a significant frequency in gnomAD. In silico models agree that this variant is not damaging. In conclusion, we classify CD46 p.Lys172Asn (c.516A>C) as a variant of uncertain significance.

Literature cited by the submitters: PubMed 30890598.

NM_172351.3(CD46):c.516A>C (p.Lys172Asn)

Gene: CD46 (CD46 molecule; plus strand). Cytogenetic location: 1q32.2.
Variant type: single nucleotide variant.
Coding change: c.516A>C on transcript NM_172351.3 (MANE Select); coding-DNA position 516, A replaced by C.
Protein change: p.Lys172Asn; replaces lysine 172 with asparagine.
Molecular consequence: missense variant.
Genome position (GRCh38, 1-based): chr1:207,761,289, A>C. VCF-style: chr1-207761289-A-C. GRCh37 (hg19) VCF-style: chr1-207934634-A-C.
Other names: c.516A>C, p.Lys172Asn (NM_002389.4, NM_153826.4, NM_172350.3 and 8 more transcripts); short protein forms K172N.
Identifiers: ClinVar variation 4291284 (VCV004291284.1).